The following is an entry in ClinVar:

ClinVar aggregate classification (germline): Uncertain significance (1 of 4 stars; one submission).

Submission:

Greenwood Genetic Center Diagnostic Laboratories, Greenwood Genetic Center
Classification: Uncertain significance. Last evaluated: 2025-05-02. Review status: criteria provided, single submitter. Criteria: ACMG Guidelines, 2015. Collection method: clinical testing. Allele origin: germline. Affected: yes.
Comment: PM2

NM_001282116.2(RFX3):c.*3600A>C

Gene: RFX3 (regulatory factor X3; minus strand). Cytogenetic location: 9p24.2.
Variant type: single nucleotide variant.
Coding change: c.*3600A>C on transcript NM_001282116.2 (MANE Select); 3600 bases downstream of the stop codon, A replaced by C.
Molecular consequence: 3 prime UTR variant.
Genome position (GRCh38, 1-based): chr9:3,221,442, T>G on the plus strand (A>C on the coding strand, the complement: RFX3 is on the minus strand). VCF-style: chr9-3221442-T-G. GRCh37 (hg19) VCF-style: chr9-3221442-T-G.
Other names: c.*3600A>C (NM_001377999.1, NM_134428.3).
Identifiers: ClinVar variation 4538203 (VCV004538203.1).